The following is an entry in ClinVar:

NM_006030.4(CACNA2D2):c.3326T>G (p.Phe1109Cys)

Genes: CACNA2D2 (calcium voltage-gated channel auxiliary subunit alpha2delta 2; minus strand), LOC127898564 (CYB561D2-LOC101928965; plus strand). Cytogenetic location: 3p21.31.
Variant type: single nucleotide variant.
Coding change: c.3326T>G on transcript NM_006030.4 (MANE Select); coding-DNA position 3326, T replaced by G.
Protein change: p.Phe1109Cys; replaces phenylalanine 1109 with cysteine.
Molecular consequence: missense variant.
Genome position (GRCh38, 1-based): chr3:50,364,772, A>C on the plus strand (T>G on the coding strand, the complement: CACNA2D2 is on the minus strand). VCF-style: chr3-50364772-A-C. GRCh37 (hg19) VCF-style: chr3-50402203-A-C.
Other names: c.3332T>G, p.Phe1111Cys (NM_001005505.3); c.3347T>G, p.Phe1116Cys (NM_001174051.3); c.3125T>G, p.Phe1042Cys (NM_001291101.1); short protein forms F1109C, F1111C, F1116C, F1042C.
Identifiers: ClinVar variation 1040434 (VCV001040434.6), dbSNP rs1333930695, ClinGen allele CA352961115.

ClinVar aggregate classification (germline): Uncertain significance (1 of 4 stars; one submission).

Conditions:
Early-infantile DEE. Also called: Ohtahara syndrome; Early infantile epileptic encephalopathy with suppression bursts; Early infantile epileptic encephalopathy. Identifiers: Orphanet 1934, MedGen C0393706, MONDO:0800491.

Allele frequency attached by ClinVar (database versions not stated): gnomAD exomes below 0.00001.
gnomAD v4.1: 3 of 1,591,248 alleles (0.00019%); highest among the groups gnomAD compares: African/African-American, 0.0013%; no homozygotes.

Submission:

Labcorp Genetics (formerly Invitae), Labcorp
Classification: Uncertain significance for Early-infantile DEE. Last evaluated: 2020-08-25. Review status: criteria provided, single submitter. Criteria: Invitae Variant Classification Sherloc (09022015). Collection method: clinical testing. Allele origin: germline.
Comment: This sequence change replaces phenylalanine with cysteine at codon 1109 of the CACNA2D2 protein (p.Phe1109Cys). The phenylalanine residue is moderately conserved and there is a large physicochemical difference between phenylalanine and cysteine. This variant is not present in population databases (ExAC no frequency). This variant has not been reported in the literature in individuals with CACNA2D2-related conditions. Algorithms developed to predict the effect of missense changes on protein structure and function are either unavailable or do not agree on the potential impact of this missense change (SIFT: "Deleterious"; PolyPhen-2: "Probably Damaging"; Align-GVGD: "Class C0"). In summary, the available evidence is currently insufficient to determine the role of this variant in disease. Therefore, it has been classified as a Variant of Uncertain Significance.